The following is an entry in ClinVar:

NM_000088.4(COL1A1):c.4058C>T (p.Thr1353Ile)

Gene: COL1A1 (collagen type I alpha 1 chain; minus strand). Cytogenetic location: 17q21.33.
Variant type: single nucleotide variant.
Coding change: c.4058C>T on transcript NM_000088.4 (MANE Select); coding-DNA position 4058, C replaced by T.
Protein change: p.Thr1353Ile; replaces threonine 1353 with isoleucine.
Molecular consequence: missense variant.
Genome position (GRCh38, 1-based): chr17:50,185,968, G>A on the plus strand (C>T on the coding strand, the complement: COL1A1 is on the minus strand). VCF-style: chr17-50185968-G-A. GRCh37 (hg19) VCF-style: chr17-48263329-G-A.
Other names: short protein forms T1353I.
Identifiers: ClinVar variation 2765768 (VCV002765768.3), dbSNP rs982770651, ClinGen allele CA400192567.

ClinVar aggregate classification (germline): Uncertain significance (1 of 4 stars; one submission).

Conditions:
Osteogenesis imperfecta type I (OI1). Also called: Classic Non-deforming Osteogenesis Imperfecta with Blue Sclerae; OI, TYPE I; OSTEOGENESIS IMPERFECTA TARDA; OSTEOGENESIS IMPERFECTA WITH BLUE SCLERAE; Osteogenesis imperfecta type 1; Lobstein's Disease. Identifiers: Orphanet 216796, Orphanet 666, MedGen C0023931, MONDO:0008146, OMIM 166200. Disease mechanism: loss of function.

gnomAD v4.1: 2 of 1,613,954 alleles (0.00012%); highest among the groups gnomAD compares: Non-Finnish European, 0.00017%; no homozygotes.

Submission:

Labcorp Genetics (formerly Invitae), Labcorp
Classification: Uncertain significance for Osteogenesis imperfecta type I. Last evaluated: 2023-11-22. Review status: criteria provided, single submitter. Criteria: Invitae Variant Classification Sherloc (09022015). Collection method: clinical testing. Allele origin: germline.
Comment: This sequence change replaces threonine, which is neutral and polar, with isoleucine, which is neutral and non-polar, at codon 1353 of the COL1A1 protein (p.Thr1353Ile). This variant is not present in population databases (gnomAD no frequency). This variant has not been reported in the literature in individuals affected with COL1A1-related conditions. Advanced modeling of protein sequence and biophysical properties (such as structural, functional, and spatial information, amino acid conservation, physicochemical variation, residue mobility, and thermodynamic stability) performed at Invitae indicates that this missense variant is expected to disrupt COL1A1 protein function with a positive predictive value of 80%. In summary, the available evidence is currently insufficient to determine the role of this variant in disease. Therefore, it has been classified as a Variant of Uncertain Significance.